The following is an entry in ClinVar:

NM_001110556.2(FLNA):c.4903C>T (p.Arg1635Cys)

Gene: FLNA (filamin A; minus strand). Cytogenetic location: Xq28.
Variant type: single nucleotide variant.
Coding change: c.4903C>T on transcript NM_001110556.2 (MANE Select); coding-DNA position 4903, C replaced by T.
Protein change: p.Arg1635Cys; replaces arginine 1635 with cysteine.
Molecular consequence: missense variant.
Genome position (GRCh38, 1-based): chrX:154,357,476, G>A on the plus strand (C>T on the coding strand, the complement: FLNA is on the minus strand). VCF-style: chrX-154357476-G-A. GRCh37 (hg19) VCF-style: chrX-153585844-G-A.
Other names: c.4903C>T, p.Arg1635Cys (NM_001456.4); short protein forms R1635C.
Identifiers: ClinVar variation 641746 (VCV000641746.12), dbSNP rs1400230946, ClinGen allele CA415213496.

ClinVar aggregate classification (germline): Conflicting classifications of pathogenicity. Review status: criteria provided, conflicting classifications (1 of 4 stars). 3 submissions from 3 submitters: Uncertain significance (2); Benign (1). Last evaluated 2025-09-05.

Conditions:
Melnick-Needles syndrome (MNS). Also called: Melnick-Needles Syndrome (FLNA-MNS); OSTEODYSPLASTY OF MELNICK AND NEEDLES; MELNICK-NEEDLES OSTEODYSPLASTY. Identifiers: Orphanet 2484, MedGen C0025237, MONDO:0010650, OMIM 309350.
Heterotopia, periventricular, X-linked dominant (PVNH1). Also called: PERIVENTRICULAR NODULAR HETEROTOPIA 4; HETEROTOPIA, PERIVENTRICULAR, 1; PERIVENTRICULAR NODULAR HETEROTOPIA 1; X-linked periventricular heterotopia. Identifiers: Orphanet 2149, Orphanet 82004, MedGen C1848213, MONDO:0010233, OMIM 300049.
Oto-palato-digital syndrome, type II (OPD2). Also called: Otopalatodigital Syndrome Type 2 (FLNA-OPD2); OPD II SYNDROME; FACIOPALATOOSSEOUS SYNDROME; Otopalatodigital Syndrome, Type II. Identifiers: Orphanet 669, Orphanet 90652, MedGen C1844696, MONDO:0010571, OMIM 304120.
Frontometaphyseal dysplasia (FMD1). Identifiers: Orphanet 1826, MedGen C0265293, MONDO:0015942.
Familial thoracic aortic aneurysm and aortic dissection (TAAD). Also called: Thoracic aortic aneurysms and dissections. Identifiers: Orphanet 91387, MedGen C4707243, MONDO:0019625.

Allele frequency attached by ClinVar (database versions not stated): gnomAD exomes 0.00001 and 0.00002; gnomAD 0.00002; TOPMed 0.00002.

Submissions (3):

Labcorp Genetics (formerly Invitae), Labcorp
Classification: Benign for Oto-palato-digital syndrome, type II; Heterotopia, periventricular, X-linked dominant; Frontometaphyseal dysplasia; Melnick-Needles syndrome. Last evaluated: 2025-09-05. Review status: criteria provided, single submitter. Criteria: Invitae Variant Classification Sherloc (09022015). Collection method: clinical testing. Allele origin: germline.

Ambry Genetics
Classification: Uncertain significance for Familial thoracic aortic aneurysm and aortic dissection. Last evaluated: 2024-10-29. Review status: criteria provided, single submitter. Criteria: Ambry Variant Classification Scheme 2023. Collection method: clinical testing. Allele origin: germline.
Comment: The p.R1635C variant (also known as c.4903C>T), located in coding exon 28 of the FLNA gene, results from a C to T substitution at nucleotide position 4903. The arginine at codon 1635 is replaced by cysteine, an amino acid with highly dissimilar properties. This amino acid position is highly conserved in available vertebrate species. In addition, this alteration is predicted to be deleterious by in silico analysis. Based on data from gnomAD, the T allele has an overall frequency of <0.01% (1/201658) total alleles studied, with 0 hemizygote(s) observed. The highest observed frequency was <0.01% (1/14515) of East Asian alleles. Based on the available evidence, the clinical significance of this variant remains unclear.

Blueprint Genetics
Classification: Uncertain significance. Last evaluated: 2021-01-22. Review status: criteria provided, single submitter. Criteria: ACMG Guidelines, 2015. Collection method: clinical testing. Allele origin: germline.